The following is an entry in ClinVar:

NM_004565.3(PEX14):c.1014C>T (p.Asp338=)

Gene: PEX14 (peroxisomal biogenesis factor 14; plus strand). Cytogenetic location: 1p36.22.
Variant type: single nucleotide variant.
Coding change: c.1014C>T on transcript NM_004565.3 (MANE Select); coding-DNA position 1014, C replaced by T.
Protein change: p.Asp338=; no amino-acid change (aspartic acid 338 retained).
Molecular consequence: synonymous variant.
Genome position (GRCh38, 1-based): chr1:10,629,867, C>T. VCF-style: chr1-10629867-C-T. GRCh37 (hg19) VCF-style: chr1-10689924-C-T.
Identifiers: ClinVar variation 167453 (VCV000167453.22), dbSNP rs2128414, ClinGen allele CA180282.

ClinVar aggregate classification (germline): Benign. Review status: criteria provided, multiple submitters, no conflicts (2 of 4 stars). 7 submissions from 7 submitters: Benign (6). 1 of the submissions does not count toward it. Last evaluated 2026-02-04.

Conditions:
Peroxisome biogenesis disorder, complementation group K (CGK). Identifiers: MedGen C1866257, MONDO:0800365.
Peroxisome biogenesis disorder 13A (Zellweger). Also called: Peroxisome biogenesis disorder 13A. Identifiers: Orphanet 912, MedGen C3554004, MONDO:0013952, OMIM 614887.

Allele frequency attached by ClinVar (database versions not stated): gnomAD exomes 0.05682 and 0.04508; TOPMed 0.04579; ExAC 0.06316; gnomAD 0.04750 and 0.04291; ESP Exome Variant Server 0.04384; 1000 Genomes Project 30x 0.08057; 1000 Genomes Project 0.08427.
gnomAD v4.1: 73,613 of 1,611,834 alleles (4.6%); highest among the groups gnomAD compares: South Asian, 13%; 2,504 homozygotes.

Submissions (7):

Labcorp Genetics (formerly Invitae), Labcorp
Classification: Benign for Peroxisome biogenesis disorder, complementation group K. Last evaluated: 2026-02-04. Review status: criteria provided, single submitter. Criteria: Invitae Variant Classification Sherloc (09022015). Collection method: clinical testing. Allele origin: germline.

GeneDx
Classification: Benign. Last evaluated: 2018-09-11. Review status: criteria provided, single submitter. Criteria: GeneDx Variant Classification Process June 2021. Collection method: clinical testing. Allele origin: germline. Affected: yes.

Illumina Laboratory Services, Illumina
Classification: Benign for Peroxisome biogenesis disorder 13A (Zellweger). Last evaluated: 2018-01-12. Review status: criteria provided, single submitter. Criteria: ICSL Variant Classification Criteria 13 December 2019. Collection method: clinical testing. Allele origin: germline.
Comment: This variant was observed in the ICSL laboratory as part of a predisposition screen in an ostensibly healthy population. It had not been previously curated by ICSL or reported in the Human Gene Mutation Database (HGMD: prior to June 1st, 2018), and was therefore a candidate for classification through an automated scoring system. Utilizing variant allele frequency, disease prevalence and penetrance estimates, and inheritance mode, an automated score was calculated to assess if this variant is too frequent to cause the disease. Based on the score and internal cut-off values, a variant classified as benign is not then subjected to further curation. The score for this variant resulted in a classification of benign for this disease.

Eurofins Ntd Llc (ga)
Classification: Benign. Last evaluated: 2013-12-18. Review status: criteria provided, single submitter. Criteria: EGL Classification Definitions 2015. Collection method: clinical testing. Allele origin: germline. Observed: 2 variant alleles, 2 heterozygotes.

Breakthrough Genomics
Classification: Benign. Review status: criteria provided, single submitter. Criteria: ACMG Guidelines, 2015. Collection method: not provided. Allele origin: germline. Inheritance: Autosomal recessive inheritance. Affected: yes.

PreventionGenetics, part of Exact Sciences
Classification: Benign. Review status: criteria provided, single submitter. Criteria: ACMG Guidelines, 2015. Collection method: clinical testing. Allele origin: germline.

Mayo Clinic Laboratories, Mayo Clinic
Classification: Benign. Last evaluated: 2015-12-16. Review status: no assertion criteria provided. Collection method: clinical testing. Allele origin: unknown. Not counted in ClinVar's aggregate classification.